The following is an entry in ClinVar:

NM_007294.4(BRCA1):c.-20+11C>T

Genes: BRCA1 (BRCA1 DNA repair associated; minus strand), LOC111589215 (BRCA1 promoter region; plus strand). Cytogenetic location: 17q21.31.
Variant type: single nucleotide variant.
Coding change: c.-20+11C>T on transcript NM_007294.4 (MANE Select); 11 bases into the intron after 20 bases upstream of the start codon, C replaced by T.
Molecular consequence: intron variant. On other transcripts: non-coding transcript variant (1).
Genome position (GRCh38, 1-based): chr17:43,125,260, G>A on the plus strand (C>T on the coding strand, the complement: BRCA1 is on the minus strand). VCF-style: chr17-43125260-G-A. GRCh37 (hg19) VCF-style: chr17-41277277-G-A.
Other names: IVS1+11C>T; c.-286C>T (NM_001407571.1, NM_001407879.1, NM_001407907.1 and 4 more transcripts); c.-98C>T (NM_001407582.1, NM_001407597.1, NM_001407612.1 and 20 more transcripts); c.-543C>T (NM_001407583.1, NM_001407591.1, NM_001407594.1 and 32 more transcripts); c.-1164C>T (NM_001407593.1, NM_001407610.1, NM_001407621.1 and 6 more transcripts); c.-530C>T (NM_001407605.1, NM_001407623.1); c.-829C>T (NM_001407697.1); c.-800C>T (NM_001407724.1); and 14 more.
Identifiers: ClinVar variation 125464 (VCV000125464.40), dbSNP rs273898672, ClinGen allele CA001340.

ClinVar aggregate classification (germline): Benign/Likely benign. Review status: criteria provided, multiple submitters, no conflicts (2 of 4 stars). 12 submissions from 12 submitters: Benign (2); Likely benign (2). 8 of the submissions do not count toward it. Last evaluated 2026-02-03.

Conditions:
BRCA1-related disorder. Also called: BRCA1-related condition.
Hereditary cancer-predisposing syndrome. Also called: Tumor predisposition; Hereditary neoplastic syndrome; Neoplastic Syndromes, Hereditary; Hereditary Cancer Syndrome. Identifiers: Orphanet 140162, MedGen C0027672, MeSH D009386, MONDO:0015356.
Hereditary breast ovarian cancer syndrome. Also called: Hereditary breast and ovarian cancer syndrome (HBOC); Hereditary breast and ovarian cancer; Hereditary breast and ovarian cancer syndrome; Breast and ovarian cancer; Hereditary breast and/or ovarian cancer syndrome; BRCA1- and BRCA2-Associated Hereditary Breast and Ovarian Cancer. Identifiers: Orphanet 145, MedGen C0677776, MeSH D061325, MONDO:0003582. Disease mechanism: loss of function.
Breast-ovarian cancer, familial, susceptibility to, 1 (BROVCA1). Also called: BRCA1 Hereditary Breast and Ovarian Cancer; OVARIAN CANCER, SUSCEPTIBILITY TO. Identifiers: Orphanet 145, MedGen C2676676, MONDO:0011450, OMIM 604370. Disease mechanism: loss of function.
Malignant tumor of breast. Also called: Malignant breast neoplasm; Cancer breast. Identifiers: MedGen C0006142, MONDO:0007254. Disease mechanism: loss of function.

Allele frequency attached by ClinVar (database versions not stated): 1000 Genomes Project 30x 0.00031; 1000 Genomes Project 0.00040; gnomAD 0.00042; gnomAD exomes 0.00044 and 0.00058; TOPMed 0.00046.
gnomAD v4.1: 240 of 456,182 alleles (0.053%); highest among the groups gnomAD compares: Non-Finnish European, 0.09%; no homozygotes.

Submissions (12):

Labcorp Genetics (formerly Invitae), Labcorp
Classification: Benign for Hereditary breast ovarian cancer syndrome. Last evaluated: 2026-02-03. Review status: criteria provided, single submitter. Criteria: Invitae Variant Classification Sherloc (09022015). Collection method: clinical testing. Allele origin: germline.

CeGaT Center for Human Genetics Tuebingen
Classification: Likely benign. Last evaluated: 2026-02-01. Review status: criteria provided, single submitter. Criteria: CeGaT Center For Human Genetics Tuebingen Variant Classification Criteria Version 2. Collection method: clinical testing. Allele origin: germline. Affected: yes. Observed: 3 variant alleles.
Comment: BRCA1: BP4, BS1

Sema4
Classification: Likely benign for Hereditary cancer-predisposing syndrome. Last evaluated: 2022-02-28. Review status: criteria provided, single submitter. Criteria: Sema4 Curation Guidelines. Collection method: curation. Allele origin: germline.

GeneDx
Classification: Benign. Last evaluated: 2014-01-23. Review status: criteria provided, single submitter. Criteria: GeneDx Variant Classification (06012015). Collection method: clinical testing. Allele origin: germline. Affected: yes.
Comment: This variant is considered likely benign or benign based on one or more of the following criteria: it is a conservative change, it occurs at a poorly conserved position in the protein, it is predicted to be benign by multiple in silico algorithms, and/or has population frequency not consistent with disease.

PreventionGenetics, part of Exact Sciences
Classification: Likely benign for BRCA1-related condition. Last evaluated: 2022-12-15. Review status: no assertion criteria provided. Collection method: clinical testing. Allele origin: germline. Not counted in ClinVar's aggregate classification.
Comment: This variant is classified as likely benign based on ACMG/AMP sequence variant interpretation guidelines (Richards et al. 2015 PMID: 25741868, with internal and published modifications).

BRCAlab, Lund University
Classification: Likely benign for Breast-ovarian cancer, familial, susceptibility to, 1. Last evaluated: 2020-03-02. Review status: no assertion criteria provided. Collection method: clinical testing. Allele origin: germline. Affected: yes. Not counted in ClinVar's aggregate classification.

Counsyl
Classification: Likely benign for Breast-ovarian cancer, familial, susceptibility to, 1. Last evaluated: 2016-10-25. Review status: no assertion criteria provided. Collection method: clinical testing. Allele origin: unknown. Not counted in ClinVar's aggregate classification.

Breast Cancer Information Core (BIC) (BRCA1)
Classification: Uncertain significance for Breast-ovarian cancer, familial 1. Last evaluated: 1999-06-22. Review status: no assertion criteria provided. Collection method: clinical testing. Allele origin: germline. Affected: yes. Observed: 1 variant allele. Not counted in ClinVar's aggregate classification.

Clinical Genetics Laboratory, Department of Pathology, Netherlands Cancer Institute
Classification: Likely benign. Review status: no assertion criteria provided. Collection method: clinical testing. Allele origin: germline. Affected: yes. Study: VKGL Data-share Consensus. Not counted in ClinVar's aggregate classification.

Department of Pathology and Laboratory Medicine, Sinai Health System
Classification: Likely benign for Malignant tumor of breast. Review status: no assertion criteria provided. Collection method: clinical testing. Allele origin: unknown. Affected: yes. Study: The Canadian Open Genetics Repository (COGR). Not counted in ClinVar's aggregate classification.
Comment: The c.-20+11C>T variant was not identified in the literature. It was reported in the dbSNP database (ID: rs273898672) but no frequency data was provided and so the variantâ€šÃ„Ã´s frequency in the general population is not known. This variant occurs upstream of the start site and +11bp away from the exon/intron junction of non-coding exon 1 of the BRCA1 gene. The variant is located in the 5' splice region (or near the 3' splice site of exon 1) but does not affect the invariant +1 and +2 positions. This variant occurs outside of the splicing consensus sequence; +3 to +6 are part of the splicing consensus sequence and variants involving these positions sometimes affect splicing. Furthermore, in-silico or computational prediction software (SpliceSiteFinder, MaxEntScan, NNSPLICE, GeneSplicer, HumanSpliceFinder) do not predict a significantly different splicing affect, increasing the likelihood this variant may not have clinical significance; although this information is not predictive enough to out pathogenicity. In summary, based on the above information, the clinical significance of this variant cannot be determined with certainty at this time, although we would lean towards a more benign role for this variant. This variant is classified as predicted benign.

Genome Diagnostics Laboratory, University Medical Center Utrecht
Classification: Likely benign. Review status: no assertion criteria provided. Collection method: clinical testing. Allele origin: germline. Affected: yes. Study: VKGL Data-share Consensus. Not counted in ClinVar's aggregate classification.

Joint Genome Diagnostic Labs from Nijmegen and Maastricht, Radboudumc and MUMC+
Classification: Likely benign. Review status: no assertion criteria provided. Collection method: clinical testing. Allele origin: germline. Affected: yes. Study: VKGL Data-share Consensus. Not counted in ClinVar's aggregate classification.

Literature cited by the submitters: PubMed 8644752 (cited by Counsyl); PubMed 9808526 (cited by Counsyl).